The following is an entry in ClinVar:

NM_004839.4(HOMER2):c.614C>T (p.Ser205Phe)

Gene: HOMER2 (homer scaffold protein 2; minus strand). Cytogenetic location: 15q25.2.
Variant type: single nucleotide variant.
Coding change: c.614C>T on transcript NM_004839.4 (MANE Select); coding-DNA position 614, C replaced by T.
Protein change: p.Ser205Phe; replaces serine 205 with phenylalanine.
Molecular consequence: missense variant.
Genome position (GRCh38, 1-based): chr15:82,854,681, G>A on the plus strand (C>T on the coding strand, the complement: HOMER2 is on the minus strand). VCF-style: chr15-82854681-G-A. GRCh37 (hg19) VCF-style: chr15-83523433-G-A.
Other names: c.647C>T, p.Ser216Phe (NM_199330.3); short protein forms S205F, S216F.
Identifiers: ClinVar variation 4035808 (VCV004035808.2).

ClinVar aggregate classification (germline): Uncertain significance. Review status: criteria provided, multiple submitters, no conflicts (2 of 4 stars). 2 submissions from 2 submitters: Uncertain significance (2). Last evaluated 2025-03-22.

Conditions:
Inborn genetic diseases. Identifiers: MedGen C0950123, MeSH D030342.

gnomAD v4.1: 2 of 1,613,136 alleles (0.00012%); no homozygotes.

Submissions (2):

Ambry Genetics
Classification: Uncertain significance for Inborn genetic diseases. Last evaluated: 2025-03-22. Review status: criteria provided, single submitter. Criteria: Ambry Variant Classification Scheme 2023. Collection method: clinical testing. Allele origin: germline.

GeneDx
Classification: Uncertain significance. Last evaluated: 2022-01-11. Review status: criteria provided, single submitter. Criteria: GeneDx Variant Classification Process June 2021. Collection method: clinical testing. Allele origin: germline.
Comment: Not observed at significant frequency in large population cohorts (gnomAD); In silico analysis supports that this missense variant has a deleterious effect on protein structure/function; Has not been previously published as pathogenic or benign to our knowledge; Variants in candidate genes are classified as variants of uncertain significance in accordance with ACMG guidelines (Richards et al., 2015)